The following is an entry in ClinVar:

ClinVar aggregate classification (germline): Uncertain significance (1 of 4 stars; one submission).

Conditions:
Brugada syndrome 8 (BRGDA8). Identifiers: Orphanet 130, MedGen C2751083, MONDO:0013148, OMIM 613123.

gnomAD v4.1: 2 of 1,527,756 alleles (0.00013%); highest among the groups gnomAD compares: Non-Finnish European, 0.00018%; no homozygotes.

Submission:

Labcorp Genetics (formerly Invitae), Labcorp
Classification: Uncertain significance for Brugada syndrome 8. Last evaluated: 2026-01-12. Review status: criteria provided, single submitter. Criteria: Invitae Variant Classification Sherloc (09022015). Collection method: clinical testing. Allele origin: germline.
Comment: This sequence change replaces alanine, which is neutral and non-polar, with valine, which is neutral and non-polar, at codon 37 of the HCN4 protein (p.Ala37Val). This variant is not present in population databases (gnomAD no frequency). This variant has not been reported in the literature in individuals affected with HCN4-related conditions. ClinVar contains an entry for this variant (Variation ID: 1952035). Invitae Evidence Modeling of protein sequence and biophysical properties (such as structural, functional, and spatial information, amino acid conservation, physicochemical variation, residue mobility, and thermodynamic stability) indicates that this missense variant is not expected to disrupt HCN4 protein function with a negative predictive value of 95%. In summary, the available evidence is currently insufficient to determine the role of this variant in disease. Therefore, it has been classified as a Variant of Uncertain Significance.

NM_005477.3(HCN4):c.110C>T (p.Ala37Val)

Gene: HCN4 (hyperpolarization activated cyclic nucleotide gated potassium channel 4; minus strand). Cytogenetic location: 15q24.1.
Variant type: single nucleotide variant.
Coding change: c.110C>T on transcript NM_005477.3 (MANE Select); coding-DNA position 110, C replaced by T.
Protein change: p.Ala37Val; replaces alanine 37 with valine.
Molecular consequence: missense variant.
Genome position (GRCh38, 1-based): chr15:73,368,161, G>A on the plus strand (C>T on the coding strand, the complement: HCN4 is on the minus strand). VCF-style: chr15-73368161-G-A. GRCh37 (hg19) VCF-style: chr15-73660502-G-A.
Other names: short protein forms A37V.
Identifiers: ClinVar variation 1952035 (VCV001952035.5), dbSNP rs2043138879, ClinGen allele CA393098999.